The following is an entry in ClinVar:

NM_006648.4(WNK2):c.2977C>G (p.Pro993Ala)

Gene: WNK2 (WNK lysine deficient protein kinase 2; plus strand). Cytogenetic location: 9q22.31.
Variant type: single nucleotide variant.
Coding change: c.2977C>G on transcript NM_006648.4 (MANE Select); coding-DNA position 2977, C replaced by G.
Protein change: p.Pro993Ala; replaces proline 993 with alanine.
Molecular consequence: missense variant.
Genome position (GRCh38, 1-based): chr9:93,259,525, C>G. VCF-style: chr9-93259525-C-G. GRCh37 (hg19) VCF-style: chr9-96021807-C-G.
Other names: c.2977C>G, p.Pro993Ala (NM_001282394.3); short protein forms P993A.
Identifiers: ClinVar variation 4826250 (VCV004826250.1).

ClinVar aggregate classification (germline): Uncertain significance (1 of 4 stars; one submission).

Submission:

Ambry Genetics
Classification: Uncertain significance. Last evaluated: 2026-03-10. Review status: criteria provided, single submitter. Criteria: Ambry Variant Classification Scheme 2023. Collection method: clinical testing. Allele origin: germline.
Comment: The p.P993A variant (also known as c.2977C>G), located in coding exon 11 of the WNK2 gene, results from a C to G substitution at nucleotide position 2977. The proline at codon 993 is replaced by alanine, an amino acid with highly similar properties. This amino acid position is conserved. In addition, this alteration is predicted to be tolerated by in silico analysis. Based on the available evidence, the clinical significance of this variant remains unclear.